The following is an entry in ClinVar:

ClinVar aggregate classification (germline): Pathogenic (1 of 4 stars; one submission).

Conditions:
Episodic kinesigenic dyskinesia (EKD). Also called: Paroxysmal kinesigenic dyskinesia. Identifiers: Orphanet 98809, MedGen C1868682, MONDO:0044202.

Submission:

Labcorp Genetics (formerly Invitae), Labcorp
Classification: Pathogenic for Episodic kinesigenic dyskinesia. Last evaluated: 2020-10-01. Review status: criteria provided, single submitter. Criteria: Invitae Variant Classification Sherloc (09022015). Collection method: clinical testing. Allele origin: germline.
Comment: This sequence change creates a premature translational stop signal (p.Gln221*) in the PRRT2 gene. It is expected to result in an absent or disrupted protein product. This variant is not present in population databases (ExAC no frequency). This variant has not been reported in the literature in individuals with PRRT2-related conditions. ClinVar contains an entry for this variant (Variation ID: 576805). Loss-of-function variants in PRRT2 are known to be pathogenic (PMID: 22623405, 22744660). For these reasons, this variant has been classified as Pathogenic.

Literature cited by the submitters: PubMed 22623405; PubMed 22744660.

NM_145239.3(PRRT2):c.661C>T (p.Gln221Ter)

Genes: MVP-DT (MVP divergent transcript; minus strand), PRRT2 (proline rich transmembrane protein 2; plus strand). Cytogenetic location: 16p11.2.
Variant type: single nucleotide variant.
Coding change: c.661C>T on transcript NM_145239.3 (MANE Select); coding-DNA position 661, C replaced by T.
Protein change: p.Gln221Ter; replaces glutamine 221 with a stop codon.
Molecular consequence: nonsense.
Genome position (GRCh38, 1-based): chr16:29,813,715, C>T. VCF-style: chr16-29813715-C-T. GRCh37 (hg19) VCF-style: chr16-29825036-C-T.
Other names: c.661C>T, p.Gln221Ter (NM_001256442.2, NM_001256443.2); short protein forms Q221*.
Identifiers: ClinVar variation 576805 (VCV000576805.9), dbSNP rs1567379819, ClinGen allele CA395479204.